The following is an entry in ClinVar:

NM_001367479.1(DNAH14):c.7858C>A (p.Gln2620Lys)

Gene: DNAH14 (dynein axonemal heavy chain 14; plus strand). Cytogenetic location: 1q42.12.
Variant type: single nucleotide variant.
Coding change: c.7858C>A on transcript NM_001367479.1 (MANE Select); coding-DNA position 7858, C replaced by A.
Protein change: p.Gln2620Lys; replaces glutamine 2620 with lysine.
Molecular consequence: missense variant.
Genome position (GRCh38, 1-based): chr1:225,272,973, C>A. VCF-style: chr1-225272973-C-A. GRCh37 (hg19) VCF-style: chr1-225460675-C-A.
Other names: short protein forms Q2620K.
Identifiers: ClinVar variation 4851654 (VCV004851654.1).

ClinVar aggregate classification (germline): Uncertain significance (1 of 4 stars; one submission).

Submission:

Greenwood Genetic Center Diagnostic Laboratories, Greenwood Genetic Center
Classification: Uncertain significance. Last evaluated: 2025-02-05. Review status: criteria provided, single submitter. Criteria: ACMG Guidelines, 2015. Collection method: clinical testing. Allele origin: germline.
Comment: Gene of Uncertain Significance